The following is an entry in ClinVar:

NM_182925.5(FLT4):c.2470C>A (p.Leu824Met)

Genes: FLT4 (fms related receptor tyrosine kinase 4; minus strand), LOC126807632 (CDK7 strongly-dependent group 2 enhancer GRCh37_chr5:180046831-180048030; plus strand). Cytogenetic location: 5q35.3.
Variant type: single nucleotide variant.
Coding change: c.2470C>A on transcript NM_182925.5 (MANE Select); coding-DNA position 2470, C replaced by A.
Protein change: p.Leu824Met; replaces leucine 824 with methionine.
Molecular consequence: missense variant.
Genome position (GRCh38, 1-based): chr5:180,620,245, G>T on the plus strand (C>A on the coding strand, the complement: FLT4 is on the minus strand). VCF-style: chr5-180620245-G-T. GRCh37 (hg19) VCF-style: chr5-180047245-G-T.
Other names: KM484816; c.2470C>A, p.Leu824Met (NM_001354989.2, NM_002020.5); short protein forms L824M.
Identifiers: ClinVar variation 204347 (VCV000204347.3), dbSNP rs796052104, ClinGen allele CA251284.

ClinVar aggregate classification (germline): Uncertain significance (0 of 4 stars; one submission).

Conditions:
Carcinoma of colon (CRC). Also called: Colonic carcinoma; Colon carcinoma. Identifiers: MedGen C0699790, MONDO:0002032.

gnomAD v4.1: 1 of 1,612,146 alleles (0.000062%); no homozygotes.

Submission:

Immunobiology Lab; University of Kashmir
Classification: Uncertain significance for Carcinoma of colon. Last evaluated: 2015-01-24. Review status: no assertion criteria provided. Collection method: case-control. Allele origin: somatic. Affected: yes. Study: Mutational Hotspot profiling of Tyrosine Kinase domain of VEGF receptors in Human colorectal tumors.
Comment: The variation(s) were confirmed by double pass sequencing of PCR products amplified from genomic DNA of colonic lesions fron colorectal patients